The following is an entry in ClinVar:

NM_004560.4(ROR2):c.2447A>G (p.Gln816Arg)

Gene: ROR2 (receptor tyrosine kinase like orphan receptor 2; minus strand). Cytogenetic location: 9q22.31.
Variant type: single nucleotide variant.
Coding change: c.2447A>G on transcript NM_004560.4 (MANE Select); coding-DNA position 2447, A replaced by G.
Protein change: p.Gln816Arg; replaces glutamine 816 with arginine.
Molecular consequence: missense variant.
Genome position (GRCh38, 1-based): chr9:91,724,047, T>C on the plus strand (A>G on the coding strand, the complement: ROR2 is on the minus strand). VCF-style: chr9-91724047-T-C. GRCh37 (hg19) VCF-style: chr9-94486329-T-C.
Other names: short protein forms Q816R.
Identifiers: ClinVar variation 3155733 (VCV003155733.1), dbSNP rs2490105675, ClinGen allele CA373794273.

ClinVar aggregate classification (germline): Uncertain significance (1 of 4 stars; one submission).

Conditions:
Inborn genetic diseases. Identifiers: MedGen C0950123, MeSH D030342.

Allele frequency attached by ClinVar (database versions not stated): gnomAD exomes below 0.00001.
gnomAD v4.1: 2 of 1,611,584 alleles (0.00012%); highest among the groups gnomAD compares: South Asian, 0.0011%; no homozygotes.

Submission:

Ambry Genetics
Classification: Uncertain significance for Inborn genetic diseases. Last evaluated: 2024-01-22. Review status: criteria provided, single submitter. Criteria: Ambry Variant Classification Scheme 2023. Collection method: clinical testing. Allele origin: germline.
Comment: The c.2447A>G (p.Q816R) alteration is located in exon 9 (coding exon 9) of the ROR2 gene. This alteration results from a A to G substitution at nucleotide position 2447, causing the glutamine (Q) at amino acid position 816 to be replaced by an arginine (R). This variant was not reported in population-based cohorts in the Genome Aggregation Database (gnomAD). This amino acid position is highly conserved in available vertebrate species. The in silico prediction for this alteration is inconclusive. Based on insufficient or conflicting evidence, the clinical significance of this alteration remains unclear.